The following is an entry in ClinVar:

ClinVar aggregate classification (germline): Uncertain significance (1 of 4 stars; one submission).

Conditions:
Hypertrophic cardiomyopathy. Also called: HYPERTROPHIC MYOCARDIOPATHY. Identifiers: Orphanet 217569, MedGen C0007194, MeSH D002312, MONDO:0005045, HP:0001639.

Submission:

Labcorp Genetics (formerly Invitae), Labcorp
Classification: Uncertain significance for Hypertrophic cardiomyopathy. Last evaluated: 2025-05-25. Review status: criteria provided, single submitter. Criteria: Invitae Variant Classification Sherloc (09022015). Collection method: clinical testing. Allele origin: germline.
Comment: This sequence change replaces threonine, which is neutral and polar, with proline, which is neutral and non-polar, at codon 51 of the TNNI3 protein (p.Thr51Pro). This variant is not present in population databases (gnomAD no frequency). This variant has not been reported in the literature in individuals affected with TNNI3-related conditions. An algorithm developed to predict the effect of missense changes on protein structure and function (PolyPhen-2) suggests that this variant is likely to be disruptive. Algorithms developed to predict the effect of sequence changes on RNA splicing suggest that this variant may create or strengthen a splice site. In summary, the available evidence is currently insufficient to determine the role of this variant in disease. Therefore, it has been classified as a Variant of Uncertain Significance.

NM_000363.5(TNNI3):c.151A>C (p.Thr51Pro)

Gene: TNNI3 (troponin I3, cardiac type; minus strand). Cytogenetic location: 19q13.42.
Variant type: single nucleotide variant.
Coding change: c.151A>C on transcript NM_000363.5 (MANE Select); coding-DNA position 151, A replaced by C.
Protein change: p.Thr51Pro; replaces threonine 51 with proline.
Molecular consequence: missense variant.
Genome position (GRCh38, 1-based): chr19:55,156,332, T>G on the plus strand (A>C on the coding strand, the complement: TNNI3 is on the minus strand). VCF-style: chr19-55156332-T-G. GRCh37 (hg19) VCF-style: chr19-55667700-T-G.
Other names: short protein forms T51P.
Identifiers: ClinVar variation 4739488 (VCV004739488.1).